The following is an entry in ClinVar:

NM_006736.6(DNAJB2):c.229+1G>A

Gene: DNAJB2 (DnaJ heat shock protein family (Hsp40) member B2; plus strand). Cytogenetic location: 2q35.
Variant type: single nucleotide variant.
Coding change: c.229+1G>A on transcript NM_006736.6 (MANE Select); the canonical splice donor site of the intron after coding-DNA position 229, G replaced by A.
Molecular consequence: splice donor variant.
Genome position (GRCh38, 1-based): chr2:219,281,772, G>A. VCF-style: chr2-219281772-G-A. GRCh37 (hg19) VCF-style: chr2-220146494-G-A.
Other names: IVS4DS, G-A, +1; c.229+1G>A (NM_001039550.2).
Identifiers: ClinVar variation 183041 (VCV000183041.8), dbSNP rs730882139, ClinGen allele CA185992.
Genomic context (GRCh38, chr2:219,281,772, plus strand): 5'-TTGCAGAGCACAAGCGGGAGATTTACGACCGCTATGGCCGGGAAGGGCTGACAGGGACAG[G>A]TAGGTGGAGTGGTGAGGCCCAGGAATGGAGGTGGGGCAGGGAGGAGAGGGGCAGGGCAGA-3'

ClinVar aggregate classification (germline): Pathogenic. Review status: criteria provided, single submitter (1 of 4 stars). 4 submissions from 4 submitters: Pathogenic (1). 3 of the submissions do not count toward it. Last evaluated 2022-12-23.

Conditions:
Charcot-Marie-Tooth disease. Also called: Charcot-Marie-Tooth Neuropathy; Charcot-Marie-Tooth Hereditary Neuropathy. Identifiers: Orphanet 166, MedGen C0007959, MONDO:0015626.
Neuronopathy, distal hereditary motor, autosomal recessive 5. Also called: Spinal muscular atrophy, distal, autosomal recessive, 5; NEUROPATHY, DISTAL HEREDITARY MOTOR, AUTOSOMAL RECESSIVE 5; Young adult-onset distal hereditary motor neuropathy. Identifiers: Orphanet 314485, Orphanet 443950, MedGen C4749918, MONDO:0013947, OMIM 614881.
Autosomal recessive distal spinal muscular atrophy 2. Also called: Hereditary motor neuropathy, Jerash type; Motor neuropathy, distal, Jerash type; NEUROPATHY, DISTAL HEREDITARY MOTOR, AUTOSOMAL RECESSIVE 2; SPINAL MUSCULAR ATROPHY, JERASH TYPE; NEURONOPATHY, DISTAL HEREDITARY MOTOR, JERASH TYPE; NEUROPATHY, DISTAL HEREDITARY MOTOR, JERASH TYPE. Identifiers: Orphanet 139552, MedGen C1854023, MONDO:0011585, OMIM 605726.

Submissions (4):

Labcorp Genetics (formerly Invitae), Labcorp
Classification: Pathogenic for Neuronopathy, distal hereditary motor, autosomal recessive 5. Last evaluated: 2022-12-23. Review status: criteria provided, single submitter. Criteria: Invitae Variant Classification Sherloc (09022015). Collection method: clinical testing. Allele origin: germline.
Comment: For these reasons, this variant has been classified as Pathogenic. Studies have shown that disruption of this splice site results in retention of intron 4 causing a premature stop codon and introduces a premature termination codon (PMID: 25274842). The resulting mRNA is expected to undergo nonsense-mediated decay. ClinVar contains an entry for this variant (Variation ID: 183041). Disruption of this splice site has been observed in individual(s) with clinical features of DNAJB2-related conditions (PMID: 25274842). It has also been observed to segregate with disease in related individuals. This variant is not present in population databases (gnomAD no frequency). This sequence change affects a donor splice site in intron 4 of the DNAJB2 gene. RNA analysis indicates that disruption of this splice site induces altered splicing and may result in an absent or disrupted protein product.

Inherited Neuropathy Consortium Ii, University Of Miami
Classification: Uncertain significance for Autosomal recessive distal spinal muscular atrophy 2. Last evaluated: 2016-01-06. Review status: no assertion criteria provided. Collection method: literature only. Allele origin: germline. Affected: yes. Not counted in ClinVar's aggregate classification.

OMIM
Classification: Pathogenic for NEURONOPATHY, DISTAL HEREDITARY MOTOR, AUTOSOMAL RECESSIVE 5. Last evaluated: 2014-11-04. Review status: no assertion criteria provided. Collection method: literature only. Allele origin: germline. Not counted in ClinVar's aggregate classification.

Inherited Neuropathy Consortium
Classification: Uncertain significance for Charcot-Marie-Tooth disease. Review status: no assertion criteria provided. Collection method: literature only. Allele origin: germline. Affected: yes. Not counted in ClinVar's aggregate classification.

Literature cited by the submitters: PubMed 25274842 (cited by 4 submitters).